The following is an entry in ClinVar:

ClinVar aggregate classification (germline): Uncertain significance (1 of 4 stars; one submission).

Allele frequency attached by ClinVar (database versions not stated): gnomAD 0.00006 and 0.00007; TOPMed 0.00012.
gnomAD v4.1: 104 of 1,536,220 alleles (0.0068%); highest among the groups gnomAD compares: Middle Eastern, 0.017%; no homozygotes.

Submission:

Labcorp Genetics (formerly Invitae), Labcorp
Classification: Uncertain significance. Last evaluated: 2022-10-17. Review status: criteria provided, single submitter. Criteria: Invitae Variant Classification Sherloc (09022015). Collection method: clinical testing. Allele origin: germline.
Comment: In summary, the available evidence is currently insufficient to determine the role of this variant in disease. Therefore, it has been classified as a Variant of Uncertain Significance. Experimental studies and prediction algorithms are not available or were not evaluated, and the functional significance of this variant is currently unknown. This variant has not been reported in the literature in individuals affected with FMN1-related conditions. This variant is present in population databases (no rsID available, gnomAD 0.01%). This sequence change replaces proline, which is neutral and non-polar, with leucine, which is neutral and non-polar, at codon 374 of the FMN1 protein (p.Pro374Leu). The FMN1 gene has multiple clinically relevant transcripts. This variant occurs in alternate transcript NM_001277314.1, and corresponds to NM_001103184.3:c.-85910C>T in the primary transcript.

NM_001277313.2(FMN1):c.1121C>T (p.Pro374Leu)

Gene: FMN1 (formin 1; minus strand). Cytogenetic location: 15q13.3.
Variant type: single nucleotide variant.
Coding change: c.1121C>T on transcript NM_001277313.2 (MANE Select); coding-DNA position 1121, C replaced by T.
Protein change: p.Pro374Leu; replaces proline 374 with leucine.
Molecular consequence: missense variant.
Genome position (GRCh38, 1-based): chr15:33,153,794, G>A on the plus strand (C>T on the coding strand, the complement: FMN1 is on the minus strand). VCF-style: chr15-33153794-G-A. GRCh37 (hg19) VCF-style: chr15-33445995-G-A.
Other names: c.1121C>T, p.Pro374Leu (NM_001277314.2); short protein forms P374L.
Identifiers: ClinVar variation 1410441 (VCV001410441.6), dbSNP rs933022929, ClinGen allele CA268811975.